The following is an entry in ClinVar:

NM_001098.3(ACO2):c.2292G>C (p.Glu764Asp)

Genes: ACO2 (aconitase 2; plus strand), POLR3H (RNA polymerase III subunit H; minus strand). Cytogenetic location: 22q13.2.
Variant type: single nucleotide variant.
Coding change: c.2292G>C on transcript NM_001098.3 (MANE Select); coding-DNA position 2292, G replaced by C.
Protein change: p.Glu764Asp; replaces glutamic acid 764 with aspartic acid.
Molecular consequence: missense variant. On other transcripts: 3 prime UTR variant (5).
Genome position (GRCh38, 1-based): chr22:41,528,562, G>C. VCF-style: chr22-41528562-G-C. GRCh37 (hg19) VCF-style: chr22-41924566-G-C.
Other names: p.E764D:GAG>GAC; c.*721C>G (NM_001018050.4, NM_001018052.4, NM_001282884.2 and 2 more transcripts); short protein forms E764D.
Identifiers: ClinVar variation 214023 (VCV000214023.2), dbSNP rs863223880, ClinGen allele CA320442.

ClinVar aggregate classification (germline): Uncertain significance (1 of 4 stars; one submission).

Allele frequency attached by ClinVar (database versions not stated): TOPMed below 0.00001; gnomAD exomes 0.00001.
gnomAD v4.1: 9 of 1,613,196 alleles (0.00056%); highest among the groups gnomAD compares: Non-Finnish European, 0.00068%; no homozygotes.

Submission:

GeneDx
Classification: Uncertain significance. Last evaluated: 2014-02-13. Review status: criteria provided, single submitter. Criteria: GeneDx Variant Classification (06012015). Collection method: clinical testing. Allele origin: germline. Affected: yes.
Comment: p.Glu764Asp (GAG>GAC): c.2292 G>C in exon 18 of the ACO2 gene (NM_001098.2). The E764D missense substitution has not been published as a mutation, nor has it been reported as a benign polymorphism to our knowledge. The amino acid substitution is conservative as both Glutamic acid and Aspartic acid are uncharged, polar amino acid residues. However, E764D alters a position that is highly conserved in the ACO2 protein and in silico analysis is inconsistent in regards to the effect E764D has on protein structure/function. Therefore, based on the currently available information, it is unclear whether E764D is a disease-causing mutation or a rare benign variant. The variant is found in MITONUC-MITOP panel(s).